The following is an entry in ClinVar:

ClinVar aggregate classification (germline): Benign (0 of 4 stars; one submission).

Conditions:
CTBP2-related disorder. Also called: CTBP2-related condition.

Allele frequency attached by ClinVar (database versions not stated): gnomAD exomes 0.00159; ExAC 0.00486; gnomAD 0.00739; TOPMed 0.00882; ESP Exome Variant Server 0.00885; 1000 Genomes Project 0.01258; 1000 Genomes Project 30x 0.01296.
gnomAD v4.1: 3,514 of 1,613,318 alleles (0.22%); highest among the groups gnomAD compares: African/African-American, 2.2%; 48 homozygotes.

Submission:

PreventionGenetics, part of Exact Sciences
Classification: Benign for CTBP2-related condition. Last evaluated: 2019-03-20. Review status: no assertion criteria provided. Collection method: clinical testing. Allele origin: germline.
Comment: This variant is classified as benign based on ACMG/AMP sequence variant interpretation guidelines (Richards et al. 2015 PMID: 25741868, with internal and published modifications).

NM_001329.4(CTBP2):c.58+12191G>A

Gene: CTBP2 (C-terminal binding protein 2; minus strand). Cytogenetic location: 10q26.13.
Variant type: single nucleotide variant.
Coding change: c.58+12191G>A on transcript NM_001329.4 (MANE Select); 12191 bases into the intron after coding-DNA position 58, G replaced by A.
Molecular consequence: intron variant. On other transcripts: synonymous variant (1).
Genome position (GRCh38, 1-based): chr10:125,026,806, C>T on the plus strand (G>A on the coding strand, the complement: CTBP2 is on the minus strand). VCF-style: chr10-125026806-C-T. GRCh37 (hg19) VCF-style: chr10-126715375-C-T.
Other names: c.954G>A, p.Pro318= (NM_022802.3); c.58+12191G>A (NM_001083914.3, NM_001290214.3, NM_001321012.2 and 3 more transcripts).
Identifiers: ClinVar variation 3039150 (VCV003039150.2), dbSNP rs3824796, ClinGen allele CA5736390.